The following is an entry in ClinVar:

ClinVar aggregate classification (germline): Pathogenic. Review status: criteria provided, multiple submitters, no conflicts (2 of 4 stars). 2 submissions from 2 submitters: Pathogenic (2). Last evaluated 2022-06-29.

Conditions:
Familial thoracic aortic aneurysm and aortic dissection (TAAD). Also called: Thoracic aortic aneurysms and dissections. Identifiers: Orphanet 91387, MedGen C4707243, MONDO:0019625.
Marfan syndrome (MFS). Also called: FBN1-Related Marfan Syndrome; Marfan syndrome type 1; Marfan's syndrome; Marfan syndrome, classic; MARFAN SYNDROME, TYPE I. Identifiers: Orphanet 284963, Orphanet 558, MedGen C0024796, MONDO:0007947, OMIM 154700.

Submissions (2):

Ambry Genetics
Classification: Pathogenic for Familial thoracic aortic aneurysm and aortic dissection. Last evaluated: 2022-06-29. Review status: criteria provided, single submitter. Criteria: Ambry Variant Classification Scheme 2023. Collection method: clinical testing. Allele origin: germline.
Comment: The p.Q2517* pathogenic mutation (also known as c.7549C>T), located in coding exon 60 of the FBN1 gene, results from a C to T substitution at nucleotide position 7549. This changes the amino acid from a glutamine to a stop codon within coding exon 60. This alteration has been reported in a subjects with features of Marfan syndrome (Zhurayev R et al. Genet Res (Camb), 2016 10;98:e13; Ambry internal data). In addition, this variant is considered to be rare based on population cohorts in the Genome Aggregation Database (gnomAD). This alteration is expected to result in loss of function by premature protein truncation or nonsense-mediated mRNA decay. As such, this alteration is interpreted as a disease-causing mutation.

Labcorp Genetics (formerly Invitae), Labcorp
Classification: Pathogenic for Marfan syndrome; Familial thoracic aortic aneurysm and aortic dissection. Last evaluated: 2018-03-03. Review status: criteria provided, single submitter. Criteria: Invitae Variant Classification Sherloc (09022015). Collection method: clinical testing. Allele origin: germline.
Comment: For these reasons, this variant has been classified as Pathogenic. Loss-of-function variants in FBN1 are known to be pathogenic (PMID: 17657824, 19293843). This variant has been reported in an individual with features consistent with Marfan syndrome (PMID: 27724990). This variant is not present in population databases (ExAC no frequency). This sequence change creates a premature translational stop signal (p.Gln2517*) in the FBN1 gene. It is expected to result in an absent or disrupted protein product.

Literature cited by the submitters: PubMed 27724990 (cited by Ambry Genetics and Labcorp Genetics (formerly Invitae), Labcorp); PubMed 17657824 (cited by Labcorp Genetics (formerly Invitae), Labcorp); PubMed 19293843 (cited by Labcorp Genetics (formerly Invitae), Labcorp).

NM_000138.5(FBN1):c.7549C>T (p.Gln2517Ter)

Gene: FBN1 (fibrillin 1; minus strand). Cytogenetic location: 15q21.1.
Variant type: single nucleotide variant.
Coding change: c.7549C>T on transcript NM_000138.5 (MANE Select); coding-DNA position 7549, C replaced by T.
Protein change: p.Gln2517Ter; replaces glutamine 2517 with a stop codon.
Molecular consequence: nonsense.
Genome position (GRCh38, 1-based): chr15:48,421,973, G>A on the plus strand (C>T on the coding strand, the complement: FBN1 is on the minus strand). VCF-style: chr15-48421973-G-A. GRCh37 (hg19) VCF-style: chr15-48714170-G-A.
Other names: short protein forms Q2517*.
Identifiers: ClinVar variation 574342 (VCV000574342.10), dbSNP rs1566891808, ClinGen allele CA392325872.
Genomic context (GRCh38, chr15:48,421,973, plus strand): 5'-CGCTACAATCCATGTAGGATTTTTTCCTCTCCTACTCACCAATGCAGGACGTATGGTGTT[G>A]GGTAAATCCGGGAGGACATTTGCATGTGAAGCCGCCAATGGTGTTAACACATAGGAACTG-3'